The following is an entry in ClinVar:

NM_000154.2(GALK1):c.1117G>A (p.Gly373Ser)

Gene: GALK1 (galactokinase 1; minus strand). Cytogenetic location: 17q25.1.
Variant type: single nucleotide variant.
Coding change: c.1117G>A on transcript NM_000154.2 (MANE Select); coding-DNA position 1117, G replaced by A.
Protein change: p.Gly373Ser; replaces glycine 373 with serine.
Molecular consequence: missense variant.
Genome position (GRCh38, 1-based): chr17:75,758,118, C>T on the plus strand (G>A on the coding strand, the complement: GALK1 is on the minus strand). VCF-style: chr17-75758118-C-T. GRCh37 (hg19) VCF-style: chr17-73754199-C-T.
Other names: short protein forms G373S.
Identifiers: ClinVar variation 892471 (VCV000892471.6), dbSNP rs773416475, ClinGen allele CA8770703.

ClinVar aggregate classification (germline): Uncertain significance. Review status: criteria provided, multiple submitters, no conflicts (2 of 4 stars). 2 submissions from 2 submitters: Uncertain significance (2). Last evaluated 2025-01-01.

Conditions:
Deficiency of galactokinase. Also called: GALACTOSEMIA II; Galactokinase deficiency with cataracts. Identifiers: Orphanet 352, Orphanet 79237, MedGen C0268155, MONDO:0009255, OMIM 230200.

Allele frequency attached by ClinVar (database versions not stated): gnomAD 0.00001; ExAC 0.00003; gnomAD exomes 0.00003; TOPMed 0.00003.
gnomAD v4.1: 78 of 1,612,548 alleles (0.0048%); highest among the groups gnomAD compares: Non-Finnish European, 0.0053%; no homozygotes.

Submissions (2):

Labcorp Genetics (formerly Invitae), Labcorp
Classification: Uncertain significance for Deficiency of galactokinase. Last evaluated: 2025-01-01. Review status: criteria provided, single submitter. Criteria: Invitae Variant Classification Sherloc (09022015). Collection method: clinical testing. Allele origin: germline.
Comment: This sequence change replaces glycine, which is neutral and non-polar, with serine, which is neutral and polar, at codon 373 of the GALK1 protein (p.Gly373Ser). This variant is present in population databases (rs773416475, gnomAD 0.009%). This variant has not been reported in the literature in individuals affected with GALK1-related conditions. ClinVar contains an entry for this variant (Variation ID: 892471). Invitae Evidence Modeling of protein sequence and biophysical properties (such as structural, functional, and spatial information, amino acid conservation, physicochemical variation, residue mobility, and thermodynamic stability) indicates that this missense variant is not expected to disrupt GALK1 protein function with a negative predictive value of 80%. In summary, the available evidence is currently insufficient to determine the role of this variant in disease. Therefore, it has been classified as a Variant of Uncertain Significance.

Illumina Laboratory Services, Illumina
Classification: Uncertain significance for Deficiency of galactokinase. Last evaluated: 2018-01-12. Review status: criteria provided, single submitter. Criteria: ICSL Variant Classification Criteria 13 December 2019. Collection method: clinical testing. Allele origin: germline.